The following is an entry in ClinVar:

NM_007294.4(BRCA1):c.5191G>T (p.Glu1731Ter)

Gene: BRCA1 (BRCA1 DNA repair associated; minus strand). Cytogenetic location: 17q21.31.
Variant type: single nucleotide variant.
Coding change: c.5191G>T on transcript NM_007294.4 (MANE Select); coding-DNA position 5191, G replaced by T.
Protein change: p.Glu1731Ter; replaces glutamic acid 1731 with a stop codon.
Molecular consequence: nonsense. On other transcripts: non-coding transcript variant (1).
Genome position (GRCh38, 1-based): chr17:43,063,335, C>A on the plus strand (G>T on the coding strand, the complement: BRCA1 is on the minus strand). VCF-style: chr17-43063335-C-A. GRCh37 (hg19) VCF-style: chr17-41215352-C-A.
Other names: c.4978G>T, p.Glu1660Ter (NM_001407571.1, NM_001407894.1, NM_001407895.1 and 12 more transcripts); c.5257G>T, p.Glu1753Ter (NM_001407581.1, NM_001407582.1); c.5254G>T, p.Glu1752Ter (NM_001407583.1, NM_001407585.1, NM_001407587.1 and 1 more transcripts); c.5251G>T, p.Glu1751Ter (NM_001407590.1, NM_001407591.1); c.5191G>T, p.Glu1731Ter (NM_001407593.1, NM_001407594.1, NM_001407596.1 and 7 more transcripts); c.5188G>T, p.Glu1730Ter (NM_001407610.1, NM_001407611.1, NM_001407612.1 and 17 more transcripts); c.5185G>T, p.Glu1729Ter (NM_001407627.1, NM_001407628.1, NM_001407629.1 and 14 more transcripts); c.5182G>T, p.Glu1728Ter (NM_001407644.1, NM_001407645.1); and 72 more; short protein forms E1731*, E627*, E1752*, E1684*, E1435*, E1618*, E1662*, E1690*.
Identifiers: ClinVar variation 37646 (VCV000037646.16), dbSNP rs397507244, ClinGen allele CA10591159.
Genomic context (GRCh38, chr17:43,063,335, plus strand): 5'-TTTTTAACTATATGACTGAATGAATATCTCTGGTTAGTTTGTAACATCAAGTACTTACCT[C>A]ATTCAGCATTTTTCTTTCTTTAATAGACTGGGTCACCCCTAAAGAGATCATAGAAAAGAC-3'

ClinVar aggregate classification (germline): Pathogenic/Likely pathogenic. Review status: criteria provided, multiple submitters, no conflicts (2 of 4 stars). 5 submissions from 5 submitters: Pathogenic (4); Likely pathogenic (1). Last evaluated 2025-06-24.

Conditions:
Hereditary cancer-predisposing syndrome. Also called: Tumor predisposition; Neoplastic Syndromes, Hereditary; Hereditary Cancer Syndrome; Hereditary neoplastic syndrome. Identifiers: Orphanet 140162, MedGen C0027672, MeSH D009386, MONDO:0015356.
Hereditary breast ovarian cancer syndrome. Also called: Hereditary breast and ovarian cancer syndrome (HBOC); Hereditary breast and ovarian cancer syndrome; Hereditary breast and ovarian cancer; Hereditary breast and/or ovarian cancer syndrome; Breast and ovarian cancer; BRCA1- and BRCA2-Associated Hereditary Breast and Ovarian Cancer. Identifiers: Orphanet 145, MedGen C0677776, MeSH D061325, MONDO:0003582. Disease mechanism: loss of function.
Breast-ovarian cancer, familial, susceptibility to, 1 (BROVCA1). Also called: OVARIAN CANCER, SUSCEPTIBILITY TO; BRCA1 Hereditary Breast and Ovarian Cancer. Identifiers: Orphanet 145, MedGen C2676676, MONDO:0011450, OMIM 604370. Disease mechanism: loss of function.

Submissions (6):

Color Diagnostics, LLC DBA Color Health
Classification: Pathogenic for Hereditary cancer-predisposing syndrome. Last evaluated: 2025-06-24. Review status: criteria provided, single submitter. Criteria: ACMG Guidelines, 2015. Collection method: clinical testing. Allele origin: germline.
Comment: This variant changes 1 nucleotide in exon 18/23 of the BRCA1 gene, creating a premature translation stop signal. This variant is expected to result in an absent or non-functional protein product. A functional study has shown that the mutant protein to be non-functional in a haploid cell survival assay (PMID: 30209399 ). To our knowledge, this variant has not been reported in individuals affected with BRCA1-related disorders in the literature. This variant has not been identified in the general population by the Genome Aggregation Database (gnomAD). Loss of BRCA1 function is a known mechanism of disease. Based on the available evidence, this variant is classified as Pathogenic.

All of Us Research Program, National Institutes of Health
Classification: Pathogenic for Breast-ovarian cancer, familial, susceptibility to, 1. Last evaluated: 2023-11-13. Review status: criteria provided, single submitter. Criteria: ACMG Guidelines, 2015. Collection method: clinical testing. Allele origin: germline. Inheritance: Autosomal dominant inheritance. Observed: 1 variant allele, 1 heterozygote.
Comment: The c.5191G>T (p.Glu1731*) variant of the BRCA1 gene creates an early stop codon. It is expected to result in an absent or disrupted protein product. This variant has not been identified in the general population by the Genome Aggregation Database (gnomAD). Truncating variants in BRCA1 are known to be pathogenic (PMID: 21989022, 17661172, 22762150). Therefore, the c.5191G>T (p.Glu1731*) variant of the BRCA1 gene is classified as pathogenic.

This study involves interpretation of variants in research participants for the purpose of population health screening. Participant phenotype was not available at the time of variant classification. Additional details can be found in publication PMID: 35346344, PMCID: PMC8962531

Baylor Genetics
Classification: Likely pathogenic for Breast-ovarian cancer, familial, susceptibility to, 1. Last evaluated: 2023-08-05. Review status: criteria provided, single submitter. Criteria: ACMG Guidelines, 2015. Collection method: clinical testing. Allele origin: unknown.

Labcorp Genetics (formerly Invitae), Labcorp
Classification: Pathogenic for Hereditary breast ovarian cancer syndrome. Last evaluated: 2023-06-23. Review status: criteria provided, single submitter. Criteria: Invitae Variant Classification Sherloc (09022015). Collection method: clinical testing. Allele origin: germline.
Comment: For these reasons, this variant has been classified as Pathogenic. ClinVar contains an entry for this variant (Variation ID: 37646). This variant has not been reported in the literature in individuals affected with BRCA1-related conditions. This variant is not present in population databases (gnomAD no frequency). This sequence change creates a premature translational stop signal (p.Glu1731*) in the BRCA1 gene. It is expected to result in an absent or disrupted protein product. Loss-of-function variants in BRCA1 are known to be pathogenic (PMID: 20104584).

Ambry Genetics
Classification: Pathogenic for Hereditary cancer-predisposing syndrome. Last evaluated: 2021-07-07. Review status: criteria provided, single submitter. Criteria: Ambry Variant Classification Scheme 2023. Collection method: clinical testing. Allele origin: germline.
Comment: The p.E1731* pathogenic mutation (also known as c.5191G>T), located in coding exon 17 of the BRCA1 gene, results from a G to T substitution at nucleotide position 5191. This changes the amino acid from a glutamic acid to a stop codon within coding exon 17. One functional study found that this nucleotide substitution is non-functional in a high-throughput, genome editing, haploid cell survival assay (Findlay GM et al. Nature, 2018 10;562:217-222). In addition to the clinical data presented in the literature, this alteration is expected to result in loss of function by premature protein truncation or nonsense-mediated mRNA decay. As such, this alteration is interpreted as a disease-causing mutation.

Brotman Baty Institute, University of Washington
No classification provided (evidence only). Condition: Breast-ovarian cancer, familial 1. Review status: no classification provided. Collection method: in vitro. Allele origin: not applicable. Functional consequence: functionally_abnormal. Not counted in ClinVar's aggregate classification.
ClinVar note: "not provided" was previously submitted as the classification for the variant. However, the classification appeared to be based only on an observation of functional data so it was converted to no classification on 2025-07-30.

Literature cited by the submitters: PubMed 30209399 (cited by Color Diagnostics, LLC DBA Color Health and Ambry Genetics); PubMed 17661172 (cited by All of Us Research Program, National Institutes of Health); PubMed 21989022 (cited by All of Us Research Program, National Institutes of Health); PubMed 22762150 (cited by All of Us Research Program, National Institutes of Health); PubMed 20104584 (cited by Labcorp Genetics (formerly Invitae), Labcorp).